The following is an entry in ClinVar:

NM_021831.6(AGBL5):c.2330T>C (p.Met777Thr)

Gene: AGBL5 (AGBL carboxypeptidase 5; plus strand). Cytogenetic location: 2p23.3.
Variant type: single nucleotide variant.
Coding change: c.2330T>C on transcript NM_021831.6 (MANE Select); coding-DNA position 2330, T replaced by C.
Protein change: p.Met777Thr; replaces methionine 777 with threonine.
Molecular consequence: missense variant. On other transcripts: non-coding transcript variant (2).
Genome position (GRCh38, 1-based): chr2:27,068,719, T>C. VCF-style: chr2-27068719-T-C. GRCh37 (hg19) VCF-style: chr2-27291587-T-C.
Other names: c.2330T>C (NM_021831.5); short protein forms M777T.
Identifiers: ClinVar variation 1017293 (VCV001017293.9), dbSNP rs778861966, ClinGen allele CA1568189.

ClinVar aggregate classification (germline): Uncertain significance. Review status: criteria provided, multiple submitters, no conflicts (2 of 4 stars). 2 submissions from 2 submitters: Uncertain significance (2). Last evaluated 2024-10-16.

Conditions:
Inborn genetic diseases. Identifiers: MedGen C0950123, MeSH D030342.

Allele frequency attached by ClinVar (database versions not stated): gnomAD 0.00001; gnomAD exomes 0.00004; ExAC 0.00007.
gnomAD v4.1: 42 of 1,614,184 alleles (0.0026%); highest among the groups gnomAD compares: South Asian, 0.043%; no homozygotes.

Submissions (2):

Labcorp Genetics (formerly Invitae), Labcorp
Classification: Uncertain significance. Last evaluated: 2024-10-16. Review status: criteria provided, single submitter. Criteria: Invitae Variant Classification Sherloc (09022015). Collection method: clinical testing. Allele origin: germline.
Comment: This sequence change replaces methionine, which is neutral and non-polar, with threonine, which is neutral and polar, at codon 777 of the AGBL5 protein (p.Met777Thr). This variant is present in population databases (rs778861966, gnomAD 0.04%). This variant has not been reported in the literature in individuals affected with AGBL5-related conditions. ClinVar contains an entry for this variant (Variation ID: 1017293). An algorithm developed to predict the effect of missense changes on protein structure and function outputs the following: PolyPhen-2: "Benign". The threonine amino acid residue is found in multiple mammalian species, which suggests that this missense change does not adversely affect protein function. In summary, the available evidence is currently insufficient to determine the role of this variant in disease. Therefore, it has been classified as a Variant of Uncertain Significance.

Ambry Genetics
Classification: Uncertain significance for Inborn genetic diseases. Last evaluated: 2024-10-11. Review status: criteria provided, single submitter. Criteria: Ambry Variant Classification Scheme 2023. Collection method: clinical testing. Allele origin: germline.